The following is an entry in ClinVar:

ClinVar aggregate classification (germline): Uncertain significance (1 of 4 stars; one submission).

Conditions:
Inborn genetic diseases. Identifiers: MedGen C0950123, MeSH D030342.

Submission:

Ambry Genetics
Classification: Uncertain significance for Inborn genetic diseases. Last evaluated: 2021-06-07. Review status: criteria provided, single submitter. Criteria: Ambry Variant Classification Scheme 2023. Collection method: clinical testing. Allele origin: germline.
Comment: The c.5390+5A>G intronic alteration consists of a A to G substitution 5 nucleotides after exon 29 of the CHD8 gene. Based on insufficient or conflicting evidence, the clinical significance of this alteration remains unclear.

NM_001170629.2(CHD8):c.5390+5A>G

Gene: CHD8 (chromodomain helicase DNA binding protein 8; minus strand). Cytogenetic location: 14q11.2.
Variant type: single nucleotide variant.
Coding change: c.5390+5A>G on transcript NM_001170629.2 (MANE Select); 5 bases into the intron after coding-DNA position 5390, A replaced by G.
Molecular consequence: intron variant.
Genome position (GRCh38, 1-based): chr14:21,394,907, T>C on the plus strand (A>G on the coding strand, the complement: CHD8 is on the minus strand). VCF-style: chr14-21394907-T-C. GRCh37 (hg19) VCF-style: chr14-21863066-T-C.
Other names: c.4553+5A>G (NM_020920.4).
Identifiers: ClinVar variation 2230909 (VCV002230909.2), dbSNP rs2501862786, ClinGen allele CA2580087815.